The following is an entry in ClinVar:

ClinVar aggregate classification (germline): Uncertain significance. Review status: criteria provided, multiple submitters, no conflicts (2 of 4 stars). 2 submissions from 2 submitters: Uncertain significance (2). Last evaluated 2025-10-06.

Conditions:
Hereditary cancer-predisposing syndrome. Also called: Neoplastic Syndromes, Hereditary; Hereditary Cancer Syndrome; Tumor predisposition; Hereditary neoplastic syndrome. Identifiers: Orphanet 140162, MedGen C0027672, MeSH D009386, MONDO:0015356.

Submissions (2):

Ambry Genetics
Classification: Uncertain significance for Hereditary cancer-predisposing syndrome. Last evaluated: 2025-10-06. Review status: criteria provided, single submitter. Criteria: Ambry Variant Classification Scheme 2023. Collection method: clinical testing. Allele origin: germline.
Comment: The p.Q94L variant (also known as c.281A>T), located in coding exon 2 of the NTHL1 gene, results from an A to T substitution at nucleotide position 281. The glutamine at codon 94 is replaced by leucine, an amino acid with dissimilar properties. This amino acid position is conserved. In addition, this alteration is predicted to be tolerated by in silico analysis. Based on the available evidence, the clinical significance of this variant remains unclear.

Labcorp Genetics (formerly Invitae), Labcorp
Classification: Uncertain significance. Last evaluated: 2020-10-30. Review status: criteria provided, single submitter. Criteria: Invitae Variant Classification Sherloc (09022015). Collection method: clinical testing. Allele origin: germline.
Comment: This sequence change replaces glutamine with leucine at codon 94 of the NTHL1 protein (p.Gln94Leu). The glutamine residue is moderately conserved and there is a moderate physicochemical difference between glutamine and leucine. This variant is not present in population databases (ExAC no frequency). In summary, the available evidence is currently insufficient to determine the role of this variant in disease. Therefore, it has been classified as a Variant of Uncertain Significance. Algorithms developed to predict the effect of missense changes on protein structure and function output the following: SIFT: "Not Available"; PolyPhen-2: "Benign"; Align-GVGD: "Not Available". The leucine amino acid residue is found in multiple mammalian species, suggesting that this missense change does not adversely affect protein function. These predictions have not been confirmed by published functional studies and their clinical significance is uncertain. This variant has not been reported in the literature in individuals with NTHL1-related conditions.

NM_002528.7(NTHL1):c.257A>T (p.Gln86Leu)

Gene: NTHL1 (nth like DNA glycosylase 1; minus strand). Cytogenetic location: 16p13.3.
Variant type: single nucleotide variant.
Coding change: c.257A>T on transcript NM_002528.7 (MANE Select); coding-DNA position 257, A replaced by T.
Protein change: p.Gln86Leu; replaces glutamine 86 with leucine.
Molecular consequence: missense variant. On other transcripts: intron variant (1).
Genome position (GRCh38, 1-based): chr16:2,046,225, T>A on the plus strand (A>T on the coding strand, the complement: NTHL1 is on the minus strand). VCF-style: chr16-2046225-T-A. GRCh37 (hg19) VCF-style: chr16-2096226-T-A.
Other names: c.281A>T (NM_002528.5); c.257A>T, p.Gln86Leu (NM_001318193.2); c.24+55A>T (NM_001318194.2); short protein forms Q86L.
Identifiers: ClinVar variation 1475099 (VCV001475099.7), dbSNP rs369262985, ClinGen allele CA394297088.